The following continues an entry in ClinVar:

NM_015506.3(MMACHC):c.271dup (p.Arg91fs)

Gene: MMACHC. ClinVar aggregate classification (germline): Pathogenic/Likely pathogenic. Pathogenic (45); Likely pathogenic (1).

Submissions 19 to 37 of 56:

Department of Pathology and Laboratory Medicine, Sinai Health System
Classification: Pathogenic for Cobalamin C disease. Last evaluated: 2023-03-28. Review status: criteria provided, single submitter. Criteria: ACMG Guidelines, 2015. Collection method: research. Allele origin: germline.

Laboratorio de Genetica e Diagnostico Molecular, Hospital Israelita Albert Einstein
Classification: Pathogenic for Cobalamin C disease. Last evaluated: 2022-11-11. Review status: criteria provided, single submitter. Criteria: ACMG Guidelines, 2015. Collection method: clinical testing. Allele origin: germline. Affected: yes. Observed: 2 variant alleles.
Comment: ACMG classification criteria: PVS1 very strong, PS4 strong, PM3 strong

Dasa
Classification: Pathogenic for Cobalamin C disease. Last evaluated: 2022-03-05. Review status: criteria provided, single submitter. Criteria: ACMG Guidelines, 2015. Collection method: clinical testing. Allele origin: germline. Affected: yes. Observed: 1 variant allele.
Comment: The c.270_271insA;p.(Arg91Lysfs*14) is a null frameshift variant (NMD) in the MMACHC gene and predicts alteration of the nonsense-mediate decay - NMD is present in a relevant exon to the transcript - PVS1. This sequence change has been observed in affected individual(s) and ClinVar contains an entry for this variant (ClinVar ID: 1421; PMID: 16311595; PMID: 19760748; PMID: 20631720; PMID: 24599607; PMID: 25894566) - PS4. The variant is present at low allele frequencies population databases (rs398124292 – gnomAD 0.00008037%; ABraOM 0.003843 frequency) - PM2_supporting. In summary, the currently available evidence indicates that the variant is pathogenic.

MGZ Medical Genetics Center
Classification: Pathogenic for Cobalamin C disease. Last evaluated: 2022-02-25. Review status: criteria provided, single submitter. Criteria: ACMG Guidelines, 2015. Collection method: clinical testing. Allele origin: germline. Affected: yes. Observed: 1 variant allele.
Comment: ACMG criteria applied: PVS1, PM3_VSTR, PS4, PM2_SUP

Laboratorio de Genetica e Diagnostico Molecular, Hospital Israelita Albert Einstein
Classification: Pathogenic. Last evaluated: 2022-01-06. Review status: criteria provided, single submitter. Criteria: ACMG Guidelines, 2015. Collection method: clinical testing. Allele origin: germline. Affected: yes.
Comment: ACMG classification criteria: PVS1, PS4, PM3

Institute of Human Genetics, University of Leipzig Medical Center
Classification: Pathogenic for Cobalamin C disease. Last evaluated: 2021-12-20. Review status: criteria provided, single submitter. Criteria: ACMG Guidelines, 2015. Collection method: clinical testing. Allele origin: maternal. Affected: yes.
Comment: This variant was identified as compound heterozygous with NM_015506.3:c.658_660del._x000D_ Criteria applied: PVS1, PM3_VSTR, PP4

Fulgent Genetics
Classification: Pathogenic for Cobalamin C disease. Last evaluated: 2021-06-30. Review status: criteria provided, single submitter. Criteria: ACMG Guidelines, 2015. Collection method: clinical testing. Allele origin: unknown.
Comment: This variant has been detected in individual(s) who were sent for testing of Renasight - kidney gene panel.

Ambry Genetics
Classification: Pathogenic for Inborn genetic diseases. Last evaluated: 2021-06-02. Review status: criteria provided, single submitter. Criteria: Ambry Variant Classification Scheme 2023. Collection method: clinical testing. Allele origin: germline.
Comment: The c.271dupA (p.R91Kfs*14) alteration, located in exon 2 (coding exon 2) of the MMACHC gene, consists of a duplication of A at position 271, causing a translational frameshift with a predicted alternate stop codon after 14 amino acids. This alteration is expected to result in loss of function by premature protein truncation or nonsense-mediated mRNA decay. Based on data from the Genome Aggregation Database (gnomAD), the MMACHC c.271dupA alteration was observed in 0.11% (314/280836) of total alleles studied, with a frequency of 0.28% (29/10356) in the Ashkenazi Jewish subpopulation. This mutation has been reported in the homozygous and compound heterozygous states in multiple unrelated patients with methylmalonic aciduria and homocystinuria, cblC type. It is the most frequently identified MMACHC mutation accounting for 30-50% of alleles and is typically associated with infantile onset disease (Lerner-Ellis, 2006; Richard, 2009; Fischer, 2014). Based on the available evidence, this alteration is classified as pathogenic.

Genome-Nilou Lab
Classification: Pathogenic for Cobalamin C disease. Last evaluated: 2021-05-18. Review status: criteria provided, single submitter. Criteria: ACMG Guidelines, 2015. Collection method: clinical testing. Allele origin: germline. Affected: no.

Greenwood Genetic Center Diagnostic Laboratories, Greenwood Genetic Center
Classification: Pathogenic. Last evaluated: 2021-01-28. Review status: criteria provided, single submitter. Criteria: ACMG Guidelines, 2015. Collection method: clinical testing. Allele origin: germline. Affected: yes.
Comment: PVS1, PS3, PM3

Molecular Medicine for Neurodegenerative and Neuromuscular Diseases Unit, IRCCS Fondazione Stella Maris
Classification: Pathogenic for Cobalamin C disease. Last evaluated: 2021-01-04. Review status: criteria provided, single submitter. Criteria: ACMG Guidelines, 2015. Collection method: research. Allele origin: unknown. Affected: yes.

New York Genome Center
Classification: Pathogenic for Cobalamin C disease. Last evaluated: 2020-07-10. Review status: criteria provided, single submitter. Criteria: NYGC Assertion Criteria 2020. Collection method: clinical testing. Allele origin: germline. Observed: 1 heterozygote. Study: CSER-NYCKidSeq.

Institute of Human Genetics Munich, TUM University Hospital
Classification: Pathogenic for Cobalamin C disease. Last evaluated: 2020-06-05. Review status: criteria provided, single submitter. Criteria: Classification criteria August 2017. Collection method: clinical testing. Allele origin: germline. Inheritance: Autosomal recessive inheritance. Affected: yes. Observed: 1 compound heterozygote.

Victorian Clinical Genetics Services, Murdoch Childrens Research Institute
Classification: Pathogenic for Cobalamin C disease. Last evaluated: 2020-05-25. Review status: criteria provided, single submitter. Criteria: ACMG Guidelines, 2015. Collection method: clinical testing. Allele origin: germline. Inheritance: Autosomal recessive inheritance.
Comment: Based on the classification scheme VCGS_Germline_v1.1.1, this variant is classified as pathogenic. Following criteria are met: 0102 - Loss-of-function is a known mechanism of disease for this gene. (N) 0106 - This gene is known to be associated with autosomal recessive disease. (N) 0201 - Variant is predicted to cause nonsense-mediated decay (NMD) and loss of protein (exon 2 of 4). (P) 0251 - Variant is heterozygous. (N) 0304 - Variant is present in gnomAD <0.01 for a recessive condition (314 heterozygotes, 0 homozygotes). (P) 0701 - Comparable variants also predicted to result in NMD, have very strong previous evidence for pathogenicity in patients with Methylmalonic acidemia (Decipher, ClinVar). (P) 0801 - Strong previous evidence of pathogenicity in many unrelated individuals with Methylmalonic acidemia (LOVD, ClinVar, PMID: 31279840). (P) 1208 - Inheritance information for this variant is not currently available. (N) Legend: (P) - Pathogenic, (N) - Neutral, (B) - Benign

Elsea Laboratory, Baylor College of Medicine
Classification: Pathogenic for Cobalamin C disease. Last evaluated: 2020-04-01. Review status: criteria provided, single submitter. Criteria: ACMG Guidelines, 2015. Collection method: clinical testing. Allele origin: paternal. Affected: no.

Athena Diagnostics
Classification: Pathogenic. Last evaluated: 2020-02-03. Review status: criteria provided, single submitter. Criteria: Athena Diagnostics Criteria. Collection method: clinical testing. Allele origin: unknown.
Comment: This duplication causes a shift in the reading frame and is expected to result in the loss of a functional protein. Experimental evidence has demonstrated a significant reduction in transcript levels in the presence of this variant (PMID: 19370762). This variant has been identified homozygous and compound heterozygous in multiple individuals with clinical features associated with this gene, and has been reported as a common disease causing variant (PMID: 16311595, 19760748, 20631720, 24599607). The frequency of this variant in the general population is consistent with pathogenicity for a recessive disorder.This observation is not an independent occurrence and has been identified in the same individual by RCIGM, the other laboratory participating in the GEMINI study.

GeneDx
Classification: Pathogenic. Last evaluated: 2020-01-17. Review status: criteria provided, single submitter. Criteria: GeneDx Variant Classification Process June 2021. Collection method: clinical testing. Allele origin: germline. Affected: yes.
Comment: Frameshift variant predicted to result in protein truncation or nonsense mediated decay in a gene for which loss-of-function is a known mechanism of disease; This variant is associated with the following publications: (PMID: 24599607, 19760748, 25687216, 32164588, 31681265, 24210589, 20631720, 23954310, 23837176, 21228398, 16311595, 25894566, 26979128, 27014578, 29302025, 26990548, 30712249, 29294253, 28835862, 31137025, 28481040, 27252276, 31497484, 31574870, 32071835, 31503356, 30157807, 31998365, 31980526, 31589614, 32943488, 33587123)

Myriad Genetics, Inc.
Classification: Pathogenic for Cobalamin C disease. Last evaluated: 2019-12-20. Review status: criteria provided, single submitter. Criteria: Myriad Women's Health Autosomal Recessive and X-Linked Classification Criteria (2019). Collection method: clinical testing. Allele origin: unknown.
Comment: NM_015506.2(MMACHC):c.271dupA(R91Kfs*14) is classified as pathogenic in the context of cblC type methylmalonic aciduria and homocystinuria and may be associated with the early onset form of disease. Sources cited for classification include the following: PMID 19370762. Classification of NM_015506.2(MMACHC):c.271dupA(R91Kfs*14) is based on the following criteria: The variant causes a premature termination codon that is expected to be targeted by nonsense-mediated mRNA decay and is reported in individuals with the relevant phenotype. Please note: this variant was assessed in the context of healthy population screening.

Mendelics
Classification: Pathogenic for Cobalamin C disease. Last evaluated: 2019-05-28. Review status: criteria provided, single submitter. Criteria: Mendelics Assertion Criteria 2017. Collection method: clinical testing. Allele origin: unknown.